The following is an entry in ClinVar:

ClinVar aggregate classification (germline): Conflicting classifications of pathogenicity. Review status: criteria provided, conflicting classifications (1 of 4 stars). 7 submissions from 5 submitters: Uncertain significance (3); Benign (1); Likely benign (3). Last evaluated 2025-08-28.

Conditions:
Elliptocytosis 2 (EL2). Also called: ELLIPTOCYTOSIS, RHESUS-UNLINKED TYPE. Identifiers: Orphanet 288, MedGen C1851741, MONDO:0007533, OMIM 130600.
Pyropoikilocytosis, hereditary. Also called: Pyropoikilocytosis. Identifiers: MedGen C0520739, MONDO:0009948, OMIM 266140, HP:0004839. Disease mechanism: loss of function.
Hereditary spherocytosis type 3. Also called: Spherocytosis type 3; SPTA1-Related Spherocytosis. Identifiers: Orphanet 822, MedGen C2678338, MONDO:0010053, OMIM 270970.

Allele frequency attached by ClinVar (database versions not stated): gnomAD exomes 0.00026 and 0.00088; gnomAD 0.00038 and 0.00047; TOPMed 0.00065; ExAC 0.00082; 1000 Genomes Project 30x 0.00109; 1000 Genomes Project 0.00140.
gnomAD v4.1: 458 of 1,614,184 alleles (0.028%); highest among the groups gnomAD compares: East Asian, 0.94%; 5 homozygotes.

Submissions (7):

Labcorp Genetics (formerly Invitae), Labcorp
Classification: Benign. Last evaluated: 2025-08-28. Review status: criteria provided, single submitter. Criteria: Invitae Variant Classification Sherloc (09022015). Collection method: clinical testing. Allele origin: germline.

ARUP Laboratories, Molecular Genetics and Genomics, ARUP Laboratories
Classification: Likely benign. Last evaluated: 2025-01-24. Review status: criteria provided, single submitter. Criteria: ARUP Molecular Germline Variant Investigation Process 2024. Collection method: clinical testing. Allele origin: germline.

Blueprint Genetics
Classification: Likely benign. Last evaluated: 2024-11-11. Review status: criteria provided, single submitter. Criteria: ACMG Guidelines, 2015. Collection method: clinical testing. Allele origin: germline.

Mayo Clinic Laboratories, Mayo Clinic
Classification: Uncertain significance. Last evaluated: 2023-01-13. Review status: criteria provided, single submitter. Criteria: ACMG Guidelines, 2015. Collection method: clinical testing. Allele origin: germline. Observed: 1 variant allele.
Comment: BS2

Illumina Laboratory Services, Illumina
Classification: Likely benign for Elliptocytosis 2. Last evaluated: 2018-01-13. Review status: criteria provided, single submitter. Criteria: ICSL Variant Classification Criteria 13 December 2019. Collection method: clinical testing. Allele origin: germline.
Comment: This variant was observed in the ICSL laboratory as part of a predisposition screen in an ostensibly healthy population. It had not been previously curated by ICSL or reported in the Human Gene Mutation Database (HGMD: prior to June 1st, 2018), and was therefore a candidate for classification through an automated scoring system. Utilizing variant allele frequency, disease prevalence and penetrance estimates, and inheritance mode, an automated score was calculated to assess if this variant is too frequent to cause the disease. Based on the score and internal cut-off values, a variant classified as likely benign is not then subjected to further curation. The score for this variant resulted in a classification of likely benign for this disease.

Illumina Laboratory Services, Illumina
Classification: Uncertain significance for Hereditary spherocytosis type 3. Last evaluated: 2018-01-13. Review status: criteria provided, single submitter. Criteria: ICSL Variant Classification Criteria 13 December 2019. Collection method: clinical testing. Allele origin: germline.

Illumina Laboratory Services, Illumina
Classification: Uncertain significance for Pyropoikilocytosis, hereditary. Last evaluated: 2018-01-13. Review status: criteria provided, single submitter. Criteria: ICSL Variant Classification Criteria 13 December 2019. Collection method: clinical testing. Allele origin: germline.

NM_003126.4(SPTA1):c.5410C>T (p.Leu1804Phe)

Gene: SPTA1 (spectrin alpha, erythrocytic 1; minus strand). Cytogenetic location: 1q23.1.
Variant type: single nucleotide variant.
Coding change: c.5410C>T on transcript NM_003126.4 (MANE Select); coding-DNA position 5410, C replaced by T.
Protein change: p.Leu1804Phe; replaces leucine 1804 with phenylalanine.
Molecular consequence: missense variant.
Genome position (GRCh38, 1-based): chr1:158,635,935, G>A on the plus strand (C>T on the coding strand, the complement: SPTA1 is on the minus strand). VCF-style: chr1-158635935-G-A. GRCh37 (hg19) VCF-style: chr1-158605725-G-A.
Other names: p.Leu1804Phe; short protein forms L1804F.
Identifiers: ClinVar variation 292971 (VCV000292971.11), dbSNP rs116959874, ClinGen allele CA1182314.